The following is an entry in ClinVar:

NM_152564.5(VPS13B):c.7663T>G (p.Ser2555Ala)

Gene: VPS13B (vacuolar protein sorting 13 homolog B; plus strand). Cytogenetic location: 8q22.2.
Variant type: single nucleotide variant.
Coding change: c.7663T>G on transcript NM_152564.5 (MANE Select); coding-DNA position 7663, T replaced by G.
Protein change: p.Ser2555Ala; replaces serine 2555 with alanine.
Molecular consequence: missense variant.
Genome position (GRCh38, 1-based): chr8:99,778,915, T>G. VCF-style: chr8-99778915-T-G. GRCh37 (hg19) VCF-style: chr8-100791143-T-G.
Other names: c.7663T>G (NM_152564.4); c.7738T>G, p.Ser2580Ala (NM_017890.5); short protein forms S2555A, S2580A.
Identifiers: ClinVar variation 1051451 (VCV001051451.8), dbSNP rs887354798, ClinGen allele CA183042245.

ClinVar aggregate classification (germline): Uncertain significance. Review status: criteria provided, single submitter (1 of 4 stars). 3 submissions from 3 submitters: Uncertain significance (1). 2 of the submissions do not count toward it. Last evaluated 2021-08-25.

Conditions:
VPS13B-related disorder. Also called: VPS13B-related condition.
Cohen syndrome (COH1). Also called: PEPPER SYNDROME; Cutis verticis gyrata, retinitis pigmentosa, and sensorineural deafness. Identifiers: Orphanet 193, MedGen C0265223, MONDO:0008999, OMIM 216550.

Allele frequency attached by ClinVar (database versions not stated): gnomAD 0.00001; TOPMed 0.00002.
gnomAD v4.1: 1 of 1,613,882 alleles (0.000062%); highest among the groups gnomAD compares: African/African-American, 0.0013%; no homozygotes.

Submissions (3):

Labcorp Genetics (formerly Invitae), Labcorp
Classification: Uncertain significance for Cohen syndrome. Last evaluated: 2021-08-25. Review status: criteria provided, single submitter. Criteria: Invitae Variant Classification Sherloc (09022015). Collection method: clinical testing. Allele origin: germline.

PreventionGenetics, part of Exact Sciences
Classification: Uncertain significance for VPS13B-related condition. Last evaluated: 2023-11-30. Review status: no assertion criteria provided. Collection method: clinical testing. Allele origin: germline. Not counted in ClinVar's aggregate classification.
Comment: The VPS13B c.7663T>G variant is predicted to result in the amino acid substitution p.Ser2555Ala. To our knowledge, this variant has not been reported in the literature or in a large population database, indicating this variant is rare. At this time, the clinical significance of this variant is uncertain due to the absence of conclusive functional and genetic evidence.

Natera, Inc.
Classification: Uncertain significance for Cohen syndrome. Last evaluated: 2020-02-17. Review status: no assertion criteria provided. Collection method: clinical testing. Allele origin: germline. Not counted in ClinVar's aggregate classification.